The following is an entry in ClinVar:

NM_001283009.2(RTEL1):c.2929G>C (p.Gly977Arg)

Genes: RTEL1 (regulator of telomere elongation helicase 1; plus strand), RTEL1-TNFRSF6B (RTEL1-TNFRSF6B readthrough (NMD candidate); plus strand). Cytogenetic location: 20q13.33.
Variant type: single nucleotide variant.
Coding change: c.2929G>C on transcript NM_001283009.2 (MANE Select); coding-DNA position 2929, G replaced by C.
Protein change: p.Gly977Arg; replaces glycine 977 with arginine.
Molecular consequence: missense variant. On other transcripts: non-coding transcript variant (1).
Genome position (GRCh38, 1-based): chr20:63,693,220, G>C. VCF-style: chr20-63693220-G-C. GRCh37 (hg19) VCF-style: chr20-62324573-G-C.
Other names: c.2260G>C, p.Gly754Arg (NM_001283010.1); c.2929G>C, p.Gly977Arg (NM_016434.4); c.3001G>C, p.Gly1001Arg (NM_032957.5); short protein forms G977R, G754R, G1001R.
Identifiers: ClinVar variation 4787490 (VCV004787490.2).

ClinVar aggregate classification (germline): Uncertain significance. Review status: criteria provided, multiple submitters, no conflicts (2 of 4 stars). 2 submissions from 2 submitters: Uncertain significance (2). Last evaluated 2026-08-29.

Conditions:
Inborn genetic diseases. Identifiers: MedGen C0950123, MeSH D030342.
Dyskeratosis congenita, autosomal recessive 5 (DKCB5). Identifiers: MedGen C3554656, MONDO:0014076, OMIM 615190.
Pulmonary fibrosis and/or bone marrow failure, Telomere-related, 3. Also called: PULMONARY FIBROSIS AND/OR BONE MARROW FAILURE SYNDROME, TELOMERE-RELATED, 3. Identifiers: Orphanet 2032, MedGen C4225346, MONDO:0014613, OMIM 616373.

Submissions (2):

Ambry Genetics
Classification: Uncertain significance for Inborn genetic diseases. Last evaluated: 2026-08-29. Review status: criteria provided, single submitter. Criteria: Ambry Variant Classification Scheme 2023. Collection method: clinical testing. Allele origin: germline.
Comment: The p.G977R variant (also known as c.2929G>C), located in coding exon 29 of the RTEL1 gene, results from a G to C substitution at nucleotide position 2929. The glycine at codon 977 is replaced by arginine, an amino acid with dissimilar properties. This amino acid position is conserved. In addition, this alteration is predicted to be tolerated by in silico analysis. Based on the available evidence, the clinical significance of this variant remains unclear.

Labcorp Genetics (formerly Invitae), Labcorp
Classification: Uncertain significance for Dyskeratosis congenita, autosomal recessive 5; Pulmonary fibrosis and/or bone marrow failure, Telomere-related, 3. Last evaluated: 2025-06-11. Review status: criteria provided, single submitter. Criteria: Invitae Variant Classification Sherloc (09022015). Collection method: clinical testing. Allele origin: germline.
Comment: This sequence change replaces glycine, which is neutral and non-polar, with arginine, which is basic and polar, at codon 977 of the RTEL1 protein (p.Gly977Arg). This variant is not present in population databases (gnomAD no frequency). This variant has not been reported in the literature in individuals affected with RTEL1-related conditions. An algorithm developed to predict the effect of missense changes on protein structure and function (PolyPhen-2) suggests that this variant is likely to be disruptive. In summary, the available evidence is currently insufficient to determine the role of this variant in disease. Therefore, it has been classified as a Variant of Uncertain Significance.